The following is an entry in ClinVar:

ClinVar aggregate classification (germline): Pathogenic. Review status: criteria provided, multiple submitters, no conflicts (2 of 4 stars). 2 submissions from 2 submitters: Pathogenic (2). Last evaluated 2022-12-05.

Conditions:
Hereditary cancer-predisposing syndrome. Also called: Neoplastic Syndromes, Hereditary; Tumor predisposition; Hereditary Cancer Syndrome; Hereditary neoplastic syndrome. Identifiers: Orphanet 140162, MedGen C0027672, MeSH D009386, MONDO:0015356.

Submissions (2):

GeneDx
Classification: Pathogenic. Last evaluated: 2022-12-05. Review status: criteria provided, single submitter. Criteria: GeneDx Variant Classification Process June 2021. Collection method: clinical testing. Allele origin: germline. Affected: yes.
Comment: Identified in an individual with suspected neurofibromatosis type 1, however detailed clinical information was not provided (Palma Milla et al., 2018); Nonsense variant predicted to result in protein truncation or nonsense mediated decay in a gene for which loss of function is a known mechanism of disease; Not observed at significant frequency in large population cohorts (gnomAD); This variant is associated with the following publications: (PMID: 30014477)

Ambry Genetics
Classification: Pathogenic for Hereditary cancer-predisposing syndrome. Last evaluated: 2014-11-03. Review status: criteria provided, single submitter. Criteria: Ambry Autosomal Dominant and X-Linked criteria (10/2015). Collection method: clinical testing. Allele origin: germline. Observed: 1 variant allele.
Comment: The p.Q2699* pathogenic mutation (also known as c.8095C>T) located in coding exon 55 of the NF1 gene, results from a C to T substitution at nucleotide position 8095. This changes the amino acid from a glutamine to a stop codon within coding exon 55. Since premature stop codons are typically deleterious in nature, this alteration is interpreted as a disease-causing mutation (ACMG Recommendations for Standards for Interpretation and Reporting of Sequence Variations. Revision 2007. Genet Med. 2008;10:294).

NM_001042492.3(NF1):c.8095C>T (p.Gln2699Ter)

Gene: NF1 (neurofibromin 1; plus strand). Cytogenetic location: 17q11.2.
Variant type: single nucleotide variant.
Coding change: c.8095C>T on transcript NM_001042492.3 (MANE Select); coding-DNA position 8095, C replaced by T.
Protein change: p.Gln2699Ter; replaces glutamine 2699 with a stop codon.
Molecular consequence: nonsense.
Genome position (GRCh38, 1-based): chr17:31,358,604, C>T. VCF-style: chr17-31358604-C-T. GRCh37 (hg19) VCF-style: chr17-29685622-C-T.
Other names: c.8032C>T, p.Gln2678Ter (NM_000267.4); short protein forms Q2678*, Q2699*.
Identifiers: ClinVar variation 187064 (VCV000187064.4), dbSNP rs786203443, ClinGen allele CA196638.